The following is an entry in ClinVar:

NM_177398.4(LMX1A):c.595A>G (p.Arg199Gly)

Gene: LMX1A (LIM homeobox transcription factor 1 alpha; minus strand). Cytogenetic location: 1q23.3.
Variant type: single nucleotide variant.
Coding change: c.595A>G on transcript NM_177398.4 (MANE Select); coding-DNA position 595, A replaced by G.
Protein change: p.Arg199Gly; replaces arginine 199 with glycine.
Molecular consequence: missense variant.
Genome position (GRCh38, 1-based): chr1:165,213,715, T>C on the plus strand (A>G on the coding strand, the complement: LMX1A is on the minus strand). VCF-style: chr1-165213715-T-C. GRCh37 (hg19) VCF-style: chr1-165182952-T-C.
Other names: c.595A>G, p.Arg199Gly (NM_001174069.2); short protein forms R199G.
Identifiers: ClinVar variation 1705342 (VCV001705342.1), dbSNP rs2526238512, ClinGen allele CA343476906.

ClinVar aggregate classification (germline): Pathogenic (1 of 4 stars; one submission).

Conditions:
Autosomal dominant nonsyndromic hearing loss 7. Also called: Deafness, autosomal dominant 7. Identifiers: Orphanet 90635, MedGen C1832379, MONDO:0011074, OMIM 601412.

Submission:

3billion
Classification: Pathogenic for Autosomal dominant nonsyndromic hearing loss 7. Last evaluated: 2022-09-01. Review status: criteria provided, single submitter. Criteria: ACMG Guidelines, 2015. Collection method: clinical testing. Allele origin: germline. Affected: yes. Observed: 1 heterozygote.
Comment: The variant is not observed in the gnomAD v2.1.1 dataset. Missense changes are a common disease-causing mechanism. Functional studies provide strong evidence of the variant having a damaging effect on the gene or gene product (PMID: 32840933). In silico tool predictions suggest damaging effect of the variant on gene or gene product (REVEL: 0.91; 3Cnet: 0.91). Same nucleotide change resulting in same amino acid change has been previously reported to be associated with LMX1A-related disorder (PMID: 32840933). The variant has been previously reported as de novo in a similarly affected individual (PMID: 32840933). Not applicable Therefore, this variant is classified as Pathogenic according to the recommendation of ACMG/AMP guideline.

Literature cited by the submitters: PubMed 32840933.